The following is an entry in ClinVar:

NM_152296.5(ATP1A3):c.2759A>G (p.Gln920Arg)

Gene: ATP1A3 (ATPase Na+/K+ transporting subunit alpha 3; minus strand). Cytogenetic location: 19q13.2.
Variant type: single nucleotide variant.
Coding change: c.2759A>G on transcript NM_152296.5 (MANE Select); coding-DNA position 2759, A replaced by G.
Protein change: p.Gln920Arg; replaces glutamine 920 with arginine.
Molecular consequence: missense variant.
Genome position (GRCh38, 1-based): chr19:41,968,845, T>C on the plus strand (A>G on the coding strand, the complement: ATP1A3 is on the minus strand). VCF-style: chr19-41968845-T-C. GRCh37 (hg19) VCF-style: chr19-42472997-T-C.
Other names: c.2792A>G, p.Gln931Arg (NM_001256213.2); c.2798A>G, p.Gln933Arg (NM_001256214.2); short protein forms Q933R, Q920R, Q931R.
Identifiers: ClinVar variation 1029189 (VCV001029189.2), dbSNP rs2075071667, ClinGen allele CA406036055.

ClinVar aggregate classification (germline): Conflicting classifications of pathogenicity. Review status: criteria provided, conflicting classifications (1 of 4 stars). 2 submissions from 2 submitters: Likely pathogenic (1); Uncertain significance (1). Last evaluated 2022-03-02.

Conditions:
Alternating hemiplegia of childhood 2 (AHC2). Also called: Alternating Hemiplegia of Childhood (AHC). Identifiers: Orphanet 2131, MedGen C3553788, MONDO:0013900, OMIM 614820.

Submissions (2):

Blueprint Genetics
Classification: Uncertain significance. Last evaluated: 2022-03-02. Review status: criteria provided, single submitter. Criteria: ACMG Guidelines, 2015. Collection method: clinical testing. Allele origin: germline.

Baylor Genetics
Classification: Likely pathogenic for Alternating hemiplegia of childhood 2. Last evaluated: 2019-01-09. Review status: criteria provided, single submitter. Criteria: ACMG Guidelines, 2015. Collection method: clinical testing. Allele origin: de novo. Affected: yes.
Comment: This variant was determined to be likely pathogenic according to ACMG Guidelines, 2015 [PMID:25741868].